The following is an entry in ClinVar:

ClinVar aggregate classification (germline): Likely benign. Review status: criteria provided, single submitter (1 of 4 stars). 2 submissions from 2 submitters: Likely benign (1). 1 of the submissions does not count toward it. Last evaluated 2024-08-20.

Conditions:
GLUD1-related disorder. Also called: GLUD1-related condition.

Allele frequency attached by ClinVar (database versions not stated): gnomAD exomes 0.00018; gnomAD 0.00021; TOPMed 0.00026; ExAC 0.00037.
gnomAD v4.1: 263 of 1,372,738 alleles (0.019%); highest among the groups gnomAD compares: Middle Eastern, 0.27%; 2 homozygotes.

Submissions (2):

Blueprint Genetics
Classification: Likely benign. Last evaluated: 2024-08-20. Review status: criteria provided, single submitter. Criteria: ACMG Guidelines, 2015. Collection method: clinical testing. Allele origin: germline.

PreventionGenetics, part of Exact Sciences
Classification: Likely benign for GLUD1-related condition. Last evaluated: 2023-10-04. Review status: no assertion criteria provided. Collection method: clinical testing. Allele origin: germline. Not counted in ClinVar's aggregate classification.
Comment: This variant is classified as likely benign based on ACMG/AMP sequence variant interpretation guidelines (Richards et al. 2015 PMID: 25741868, with internal and published modifications).

NM_005271.5(GLUD1):c.445+378T>G

Gene: GLUD1 (glutamate dehydrogenase 1; minus strand). Cytogenetic location: 10q23.2.
Variant type: single nucleotide variant.
Coding change: c.445+378T>G on transcript NM_005271.5 (MANE Select); 378 bases into the intron after coding-DNA position 445, T replaced by G.
Molecular consequence: intron variant. On other transcripts: missense variant (1), 5 prime UTR variant (2).
Genome position (GRCh38, 1-based): chr10:87,093,947, A>C on the plus strand (T>G on the coding strand, the complement: GLUD1 is on the minus strand). VCF-style: chr10-87093947-A-C. GRCh37 (hg19) VCF-style: chr10-88853704-A-C.
Other names: c.32T>G, p.Val11Gly (NM_001318900.1); c.-424T>G (NM_001318901.1); c.-351T>G (NM_001318902.1); c.-117+378T>G (NM_001318906.2); c.-284+378T>G (NM_001318904.2); c.-410+378T>G (NM_001318905.2); short protein forms V11G.
Identifiers: ClinVar variation 3040727 (VCV003040727.3), dbSNP rs755199262, ClinGen allele CA5587703.